The following is an entry in ClinVar:

NM_000359.3(TGM1):c.408_411dup (p.Glu138fs)

Gene: TGM1 (transglutaminase 1; minus strand). Cytogenetic location: 14q12.
Variant type: Duplication.
Coding change: c.408_411dup on transcript NM_000359.3 (MANE Select); coding-DNA positions 408 to 411, 4 bases duplicated (CGAC; older notation c.408_411dupCGAC).
Protein change: p.Glu138fs; shifts the reading frame from glutamic acid 138.
Molecular consequence: frameshift variant.
Genome position (GRCh38, 1-based): chr14:24,261,792-24,261,795, GTCG duplicated on the plus strand (CGAC on the coding strand, the reverse complement: TGM1 is on the minus strand). VCF-style (leftmost placement, unchanged base first): chr14-24261791-C-CGTCG. GRCh37 (hg19) VCF-style: chr14-24730997-C-CGTCG.
Other names: c.408_411dupCGAC (NM_000359.2); short protein forms E138fs.
Identifiers: ClinVar variation 1458607 (VCV001458607.12), dbSNP rs2139027688, ClinGen allele CA2573149818.

ClinVar aggregate classification (germline): Pathogenic. Review status: criteria provided, multiple submitters, no conflicts (2 of 4 stars). 5 submissions from 5 submitters: Pathogenic (5). Last evaluated 2026-08-31.

Conditions:
Autosomal recessive congenital ichthyosis 1 (LI1). Also called: COLLODION FETUS; DESQUAMATION OF NEWBORN; ICHTHYOSIS CONGENITA; ICHTHYOSIS CONGENITA II; LAMELLAR EXFOLIATION OF NEWBORN; ICHTHYOSIS, CONGENITAL, AUTOSOMAL RECESSIVE 1, WITH BATHING SUIT DISTRIBUTION. Identifiers: MedGen C4551630, MONDO:0009441, OMIM 242300.

Submissions (5):

Myriad Genetics, Inc.
Classification: Pathogenic for Autosomal recessive congenital ichthyosis 1. Last evaluated: 2026-08-31. Review status: criteria provided, single submitter. Criteria: Myriad Autosomal Dominant, Autosomal Recessive and X-Linked Classification Criteria (2023). Collection method: clinical testing. Allele origin: unknown.
Comment: NM_000359.2(TGM1):c.408_411dupCGAC(E138Rfs*22) is a frameshift variant classified as pathogenic in the context of TGM1-related autosomal recessive congenital ichthyosis. E138Rfs*22 has been observed in cases with relevant disease (PMID: 9457916, 19241467, 34851365). Relevant functional assessments of this variant are not available in the literature. E138Rfs*22 has not been observed in referenced population frequency databases. In summary, NM_000359.2(TGM1):c.408_411dupCGAC(E138Rfs*22) is a frameshift variant in a gene where loss of function is a known mechanism of disease and is predicted to disrupt protein function. Please note: this variant was assessed in the context of healthy population screening.

Natera, Inc.
Classification: Pathogenic for Autosomal recessive congenital ichthyosis type 1. Last evaluated: 2024-03-27. Review status: criteria provided, single submitter. Criteria: Natera Variant Classification Schema (03/2026). Collection method: clinical testing. Allele origin: germline.
Comment: The c.408_411dupCGAC variant in TGM1 is a frameshift variant predicted to shift the reading frame beginning at codon 138 and leads to a stop codon 22 codons downstream. This variant is expected to result in nonsense mediated decay, truncation, or a dysfunctional protein product. This variant is rare in the general population with a frequency below the threshold expected for the associated phenotype(s). This variant has been observed in one or more individuals affected with the associated recessive disease, as either homozygous or compound heterozygous with a second variant (PMID: 9457916). Additionally, this variant has been observed to segregate in affected family members (PMID: 9457916). Given the available evidence, this variant is classified as Pathogenic.

Fulgent Genetics
Classification: Pathogenic for Autosomal recessive congenital ichthyosis 1. Last evaluated: 2024-02-27. Review status: criteria provided, single submitter. Criteria: ACMG Guidelines, 2015. Collection method: clinical testing. Allele origin: germline.

Labcorp Genetics (formerly Invitae), Labcorp
Classification: Pathogenic. Last evaluated: 2023-10-23. Review status: criteria provided, single submitter. Criteria: Invitae Variant Classification Sherloc (09022015). Collection method: clinical testing. Allele origin: germline.
Comment: This sequence change creates a premature translational stop signal (p.Glu138Argfs*22) in the TGM1 gene. It is expected to result in an absent or disrupted protein product. Loss-of-function variants in TGM1 are known to be pathogenic (PMID: 18948357, 19241467). This variant is not present in population databases (gnomAD no frequency). This premature translational stop signal has been observed in individual(s) with lamellar ichthyosis (PMID: 9457916). This variant is also known as 1387insCAGC. ClinVar contains an entry for this variant (Variation ID: 1458607). For these reasons, this variant has been classified as Pathogenic.

Baylor Genetics
Classification: Pathogenic for Autosomal recessive congenital ichthyosis 1. Last evaluated: 2022-09-29. Review status: criteria provided, single submitter. Criteria: ACMG Guidelines, 2015. Collection method: clinical testing. Allele origin: unknown.

Literature cited by the submitters: PubMed 19241467 (cited by Myriad Genetics, Inc. and Labcorp Genetics (formerly Invitae), Labcorp); PubMed 34851365 (cited by Myriad Genetics, Inc.); PubMed 9457916 (cited by 3 submitters); PubMed 18948357 (cited by Labcorp Genetics (formerly Invitae), Labcorp).